The following is an entry in ClinVar:

NM_001041.4(SI):c.1762C>T (p.Arg588Cys)

Gene: SI (sucrase-isomaltase; minus strand). Cytogenetic location: 3q26.1.
Variant type: single nucleotide variant.
Coding change: c.1762C>T on transcript NM_001041.4 (MANE Select); coding-DNA position 1762, C replaced by T.
Protein change: p.Arg588Cys; replaces arginine 588 with cysteine.
Molecular consequence: missense variant.
Genome position (GRCh38, 1-based): chr3:165,046,966, G>A on the plus strand (C>T on the coding strand, the complement: SI is on the minus strand). VCF-style: chr3-165046966-G-A. GRCh37 (hg19) VCF-style: chr3-164764754-G-A.
Other names: c.1762C>T (NM_001041.3); short protein forms R588C.
Identifiers: ClinVar variation 1424821 (VCV001424821.7), dbSNP rs201583834, ClinGen allele CA86544354.

ClinVar aggregate classification (germline): Uncertain significance. Review status: criteria provided, multiple submitters, no conflicts (2 of 4 stars). 3 submissions from 3 submitters: Uncertain significance (3). Last evaluated 2023-06-07.

Conditions:
Inborn genetic diseases. Identifiers: MedGen C0950123, MeSH D030342.
Sucrase-isomaltase deficiency (CSID). Also called: Deficiency of isomaltase; SI DEFICIENCY; Congenital sucrose isomaltose malabsorption; Sucrose isomaltose enzyme deficiency. Identifiers: Orphanet 35122, MedGen C1283620, MONDO:0009114, OMIM 222900.

Allele frequency attached by ClinVar (database versions not stated): gnomAD exomes 0.00001 and 0.00003; TOPMed 0.00002; gnomAD 0.00003; 1000 Genomes Project 0.00020.
gnomAD v4.1: 49 of 1,611,280 alleles (0.003%); highest among the groups gnomAD compares: Non-Finnish European, 0.0037%; no homozygotes.

Submissions (3):

Ambry Genetics
Classification: Uncertain significance for Inborn genetic diseases. Last evaluated: 2023-06-07. Review status: criteria provided, single submitter. Criteria: Ambry Variant Classification Scheme 2023. Collection method: clinical testing. Allele origin: germline.

Fulgent Genetics
Classification: Uncertain significance for Sucrase-isomaltase deficiency. Last evaluated: 2022-03-07. Review status: criteria provided, single submitter. Criteria: ACMG Guidelines, 2015. Collection method: clinical testing. Allele origin: unknown.

Labcorp Genetics (formerly Invitae), Labcorp
Classification: Uncertain significance. Last evaluated: 2021-09-24. Review status: criteria provided, single submitter. Criteria: Invitae Variant Classification Sherloc (09022015). Collection method: clinical testing. Allele origin: germline.
Comment: This sequence change replaces arginine with cysteine at codon 588 of the SI protein (p.Arg588Cys). The arginine residue is moderately conserved and there is a large physicochemical difference between arginine and cysteine. This variant is not present in population databases (ExAC no frequency). This variant has not been reported in the literature in individuals with SI-related conditions. Advanced modeling of protein sequence and biophysical properties (such as structural, functional, and spatial information, amino acid conservation, physicochemical variation, residue mobility, and thermodynamic stability) performed at Invitae indicates that this missense variant is expected to disrupt SI protein function. In summary, the available evidence is currently insufficient to determine the role of this variant in disease. Therefore, it has been classified as a Variant of Uncertain Significance.